The following is an entry in ClinVar:

ClinVar aggregate classification (germline): Uncertain significance (1 of 4 stars; one submission).

Conditions:
Hereditary cancer-predisposing syndrome. Also called: Hereditary Cancer Syndrome; Tumor predisposition; Hereditary neoplastic syndrome; Neoplastic Syndromes, Hereditary. Identifiers: Orphanet 140162, MedGen C0027672, MeSH D009386, MONDO:0015356.

gnomAD v4.1: 1 of 1,614,068 alleles (0.000062%); highest among the groups gnomAD compares: South Asian, 0.0011%; no homozygotes.

Submission:

Ambry Genetics
Classification: Uncertain significance for Hereditary cancer-predisposing syndrome. Last evaluated: 2024-03-19. Review status: criteria provided, single submitter. Criteria: Ambry Variant Classification Scheme 2023. Collection method: clinical testing. Allele origin: germline.
Comment: The p.A597V variant (also known as c.1790C>T), located in coding exon 11 of the BRIP1 gene, results from a C to T substitution at nucleotide position 1790. The alanine at codon 597 is replaced by valine, an amino acid with similar properties. This amino acid position is conserved. In addition, the in silico prediction for this alteration is inconclusive. Based on the available evidence, the clinical significance of this alteration remains unclear.

NM_032043.3(BRIP1):c.1790C>T (p.Ala597Val)

Gene: BRIP1 (BRCA1 interacting DNA helicase 1; minus strand). Cytogenetic location: 17q23.2.
Variant type: single nucleotide variant.
Coding change: c.1790C>T on transcript NM_032043.3 (MANE Select); coding-DNA position 1790, C replaced by T.
Protein change: p.Ala597Val; replaces alanine 597 with valine.
Molecular consequence: missense variant.
Genome position (GRCh38, 1-based): chr17:61,780,844, G>A on the plus strand (C>T on the coding strand, the complement: BRIP1 is on the minus strand). VCF-style: chr17-61780844-G-A. GRCh37 (hg19) VCF-style: chr17-59858205-G-A.
Other names: short protein forms A597V.
Identifiers: ClinVar variation 3261787 (VCV003261787.1).